The following is an entry in ClinVar:

NM_003143.3(SSBP1):c.320G>A (p.Arg107Gln)

Gene: SSBP1 (single stranded DNA binding protein 1; plus strand). Cytogenetic location: 7q34.
Variant type: single nucleotide variant.
Coding change: c.320G>A on transcript NM_003143.3 (MANE Select); coding-DNA position 320, G replaced by A.
Protein change: p.Arg107Gln; replaces arginine 107 with glutamine.
Molecular consequence: missense variant. On other transcripts: non-coding transcript variant (1).
Genome position (GRCh38, 1-based): chr7:141,745,501, G>A. VCF-style: chr7-141745501-G-A. GRCh37 (hg19) VCF-style: chr7-141445301-G-A.
Other names: c.320G>A, p.Arg107Gln (NM_001256510.1, NM_001256511.1, NM_001256512.1 and 1 more transcripts); short protein forms R107Q.
Identifiers: ClinVar variation 977503 (VCV000977503.43), dbSNP rs1799747454, ClinGen allele CA369561127.
Genomic context (GRCh38, chr7:141,745,501, plus strand): 5'-TCTTATAAAGCATATTAAGATCTCAACTAAAAACTGTACATTTTATTTATATCAGGTCTC[G>A]AATTTATTTGGAAGGGAAAATAGACTATGGTGAATACATGGATAAAAATAATGTGAGGCG-3'
Protein context (NP_003134.1, residues 97-117): VAYQYVKKGS[Arg107Gln]IYLEGKIDYG

ClinVar aggregate classification (germline): Pathogenic. Review status: criteria provided, multiple submitters, no conflicts (2 of 4 stars). 10 submissions from 10 submitters: Pathogenic (9). 1 of the submissions does not count toward it. Last evaluated 2026-09-16.

Conditions:
Retinal disorder. Also called: Retinopathy; Retinopathies; Retinal Diseases; Retinal disorders. Identifiers: MedGen C0035309, MONDO:0005283, HP:0000488.
Optic atrophy 13 with retinal and foveal abnormalities. Also called: Optic atrophy with negative electroretinograms. Identifiers: MedGen C5435585, MONDO:0008135, OMIM 165510.

Submissions (10):

Genetics Laboratory, Great Ormond Street Hospital NHS Foundation Trust, North Thames Genomic Laboratory Hub
Classification: Pathogenic for Retinal disorders. Last evaluated: 2026-09-16. Review status: criteria provided, single submitter. Criteria: ACGS Best Practice Guidelines for Variant Classification in Rare Disease 2024 v1.2. Collection method: clinical testing. Allele origin: germline. Affected: yes.
Comment: PS4_moderate, PM2_moderate, PS3_moderate, PP1_strong, PS2_moderate

Institute of Human Genetics, University of Leipzig Medical Center
Classification: Pathogenic for Optic atrophy 13 with retinal and foveal abnormalities. Last evaluated: 2024-01-17. Review status: criteria provided, single submitter. Criteria: ACMG Guidelines, 2015. Collection method: clinical testing. Allele origin: de novo. Inheritance: Autosomal dominant inheritance. Affected: yes.
Comment: Criteria applied: PS4,PS3_MOD,PS2_STR,PM2_SUP,PP1

Institute of Human Genetics Munich, TUM University Hospital
Classification: Pathogenic for Optic atrophy 13 with retinal and foveal abnormalities. Last evaluated: 2024-01-12. Review status: criteria provided, single submitter. Criteria: Classification criteria August 2017. Collection method: clinical testing. Allele origin: germline. Inheritance: Autosomal dominant inheritance. Affected: yes. Observed: 1 variant allele.

GeneDx
Classification: Pathogenic. Last evaluated: 2023-07-17. Review status: criteria provided, single submitter. Criteria: GeneDx Variant Classification Process June 2021. Collection method: clinical testing. Allele origin: germline. Affected: yes.
Comment: Published functional studies suggest a damaging effect (PMID: 31550240, 31298765); In silico analysis supports that this missense variant has a deleterious effect on protein structure/function; Not observed at significant frequency in large population cohorts (gnomAD); This variant is associated with the following publications: (PMID: 31550237, 35142387, 33671400, 31298765, 31550240, 36993412)

3billion
Classification: Pathogenic for Optic atrophy 13 with retinal and foveal abnormalities. Last evaluated: 2022-05-22. Review status: criteria provided, single submitter. Criteria: ACMG Guidelines, 2015. Collection method: clinical testing. Allele origin: germline. Affected: yes. Observed: 1 heterozygote.
Comment: The variant is not observed in the gnomAD v2.1.1 dataset. Missense changes are a common disease-causing mechanism. Functional studies provide strong evidence of the variant having a damaging effect on the gene or gene product (PMID:31298765). In silico tool predictions suggest no damaging effect of the variant on gene or gene product (REVEL: 0.24; 3Cnet: 0.14). Same nucleotide change resulting in same amino acid change has been previously reported to be associated with SSBP1 related disorder (ClinVar ID: VCV000977503 / PMID: 31298765 / 3billion dataset). The variant has been previously reported as assumed (i.e. paternity and maternity not confirmed) de novo in at least one similarly affected unrelated individual (PMID:31298765). Therefore, this variant is classified as pathogenic according to the recommendation of ACMG/AMP guideline.

Mendelics
Classification: Pathogenic for Optic atrophy 13 with retinal and foveal abnormalities. Last evaluated: 2022-05-04. Review status: criteria provided, single submitter. Criteria: Mendelics Assertion Criteria 2019. Collection method: clinical testing. Allele origin: germline.

Clinical Genomics Laboratory, Stanford Medicine
Classification: Pathogenic for Optic atrophy 13 with retinal and foveal abnormalities. Last evaluated: 2022-03-25. Review status: criteria provided, single submitter. Criteria: ACMG Guidelines, 2015. Collection method: clinical testing. Allele origin: de novo. Inheritance: Autosomal dominant inheritance. Affected: yes. Observed: 1 variant allele, 1 heterozygote.
Comment: This variant has also been previously reported in at least 6 additional individuals affected with optic atrophy with or without extraocular features from multiple families (Jurkute et al., 2019; Piro-Mégy et al., 2020; Jurkute et al., 2021). This variant was absent from large population databases, including the Genome Aggregation Database. The arginine at position 107 is evolutionarily conserved. The p.Arg107Gln variant is located in an established functional domain of the SSBP1 protein known as the SSB domain. Other pathogenic/likely pathogenic variants have been described in this domain (Jurkute et al., 2019; Jurkute et al., 2021). A functional study of the p.Arg107Gln variant in zebrafish demonstrated a deleterious effect on retinal development likely due to a dominant-negative mechanism (Jurkute et al., 2019). These data were assessed using the ACMG/AMP variant interpretation guidelines. In summary, there is sufficient evidence to classify the p.Arg107Gln variant as pathogenic for autosomal dominant SSBP1-related optic atrophy based on the information above. [ACMG evidence codes used: PS2; PS4; PM2; PM1_Supporting; PS3_Supporting]

CeGaT Center for Human Genetics Tuebingen
Classification: Pathogenic. Last evaluated: 2021-02-01. Review status: criteria provided, single submitter. Criteria: CeGaT Center For Human Genetics Tuebingen Variant Classification Criteria Version 2. Collection method: clinical testing. Allele origin: germline. Affected: yes. Observed: 1 variant allele.

Institute of Medical Genetics and Applied Genomics, University Hospital Tübingen
Classification: Pathogenic. Last evaluated: 2020-10-23. Review status: criteria provided, single submitter. Criteria: ACMG Guidelines, 2015. Collection method: clinical testing. Allele origin: germline. Inheritance: Unknown mechanism. Affected: yes.

OMIM
Classification: Pathogenic for OPTIC ATROPHY 13 WITH RETINAL AND FOVEAL ABNORMALITIES. Last evaluated: 2020-09-03. Review status: no assertion criteria provided. Collection method: literature only. Allele origin: germline. Not counted in ClinVar's aggregate classification.

Literature cited by the submitters: PubMed 31550240 (cited by 3 submitters); PubMed 31298765 (cited by 3 submitters); PubMed 31550237 (cited by Clinical Genomics Laboratory, Stanford Medicine and OMIM); PubMed 34905022 (cited by Clinical Genomics Laboratory, Stanford Medicine).